The following is an entry in ClinVar:

ClinVar aggregate classification (germline): Benign. Review status: criteria provided, multiple submitters, no conflicts (2 of 4 stars). 3 submissions from 3 submitters: Benign (2). 1 of the submissions does not count toward it. Last evaluated 2026-02-04.

Conditions:
FBN3-related disorder. Also called: FBN3-related condition.

Allele frequency attached by ClinVar (database versions not stated): 1000 Genomes Project 0.01458; gnomAD exomes 0.01513 and 0.01595; ExAC 0.01558; 1000 Genomes Project 30x 0.01593; gnomAD 0.01835 and 0.01860; ESP Exome Variant Server 0.01955; TOPMed 0.02027.
gnomAD v4.1: 26,311 of 1,611,862 alleles (1.6%); highest among the groups gnomAD compares: Middle Eastern, 5%; 292 homozygotes.

Submissions (3):

Labcorp Genetics (formerly Invitae), Labcorp
Classification: Benign. Last evaluated: 2026-02-04. Review status: criteria provided, single submitter. Criteria: Invitae Variant Classification Sherloc (09022015). Collection method: clinical testing. Allele origin: germline.

Breakthrough Genomics
Classification: Benign. Review status: criteria provided, single submitter. Criteria: ACMG Guidelines, 2015. Collection method: not provided. Allele origin: germline. Inheritance: Unknown mechanism. Affected: yes.

PreventionGenetics, part of Exact Sciences
Classification: Benign for FBN3-related condition. Last evaluated: 2020-02-04. Review status: no assertion criteria provided. Collection method: clinical testing. Allele origin: germline. Not counted in ClinVar's aggregate classification.
Comment: This variant is classified as benign based on ACMG/AMP sequence variant interpretation guidelines (Richards et al. 2015 PMID: 25741868, with internal and published modifications).

NM_032447.5(FBN3):c.1113G>A (p.Met371Ile)

Gene: FBN3 (fibrillin 3; minus strand). Cytogenetic location: 19p13.2.
Variant type: single nucleotide variant.
Coding change: c.1113G>A on transcript NM_032447.5 (MANE Select); coding-DNA position 1113, G replaced by A.
Protein change: p.Met371Ile; replaces methionine 371 with isoleucine.
Molecular consequence: missense variant.
Genome position (GRCh38, 1-based): chr19:8,138,229, C>T on the plus strand (G>A on the coding strand, the complement: FBN3 is on the minus strand). VCF-style: chr19-8138229-C-T. GRCh37 (hg19) VCF-style: chr19-8203113-C-T.
Other names: c.1113G>A, p.Met371Ile (NM_001321431.2); c.1113G>A (NM_001321431.1); short protein forms M371I.
Identifiers: ClinVar variation 1590471 (VCV001590471.11), dbSNP rs35999680, ClinGen allele CA9153462.